The following is an entry in ClinVar:

ClinVar aggregate classification (germline): Uncertain significance. Review status: criteria provided, multiple submitters, no conflicts (2 of 4 stars). 2 submissions from 2 submitters: Uncertain significance (2). Last evaluated 2026-05-28.

Conditions:
Neuroblastoma, susceptibility to, 3. Also called: ALK-Related Neuroblastic Tumor Susceptibility. Identifiers: Orphanet 635, MedGen C2751681, MONDO:0013083, OMIM 613014.
Hereditary cancer-predisposing syndrome. Also called: Neoplastic Syndromes, Hereditary; Tumor predisposition; Hereditary Cancer Syndrome; Hereditary neoplastic syndrome. Identifiers: Orphanet 140162, MedGen C0027672, MeSH D009386, MONDO:0015356.

gnomAD v4.1: 2 of 1,614,212 alleles (0.00012%); highest among the groups gnomAD compares: South Asian, 0.0022%; no homozygotes.

Submissions (2):

Ambry Genetics
Classification: Uncertain significance for Hereditary cancer-predisposing syndrome. Last evaluated: 2026-05-28. Review status: criteria provided, single submitter. Criteria: Ambry Variant Classification Scheme 2023. Collection method: clinical testing. Allele origin: germline.
Comment: The p.V1013M variant (also known as c.3037G>A), located in coding exon 18 of the ALK gene, results from a G to A substitution at nucleotide position 3037. The valine at codon 1013 is replaced by methionine, an amino acid with highly similar properties. This amino acid position is conserved. In addition, this alteration is predicted to be tolerated by in silico analysis. Based on the available evidence, the clinical significance of this variant remains unclear.

Labcorp Genetics (formerly Invitae), Labcorp
Classification: Uncertain significance for Neuroblastoma, susceptibility to, 3. Last evaluated: 2026-02-01. Review status: criteria provided, single submitter. Criteria: Invitae Variant Classification Sherloc (09022015). Collection method: clinical testing. Allele origin: germline.
Comment: This sequence change replaces valine, which is neutral and non-polar, with methionine, which is neutral and non-polar, at codon 1013 of the ALK protein (p.Val1013Met). This variant is not present in population databases (gnomAD no frequency). This variant has not been reported in the literature in individuals affected with ALK-related conditions. An algorithm developed to predict the effect of missense changes on protein structure and function (PolyPhen-2) suggests that this variant is likely to be disruptive. In summary, the available evidence is currently insufficient to determine the role of this variant in disease. Therefore, it has been classified as a Variant of Uncertain Significance.

NM_004304.5(ALK):c.3037G>A (p.Val1013Met)

Gene: ALK (ALK receptor tyrosine kinase; minus strand). Cytogenetic location: 2p23.2.
Variant type: single nucleotide variant.
Coding change: c.3037G>A on transcript NM_004304.5 (MANE Select); coding-DNA position 3037, G replaced by A.
Protein change: p.Val1013Met; replaces valine 1013 with methionine.
Molecular consequence: missense variant.
Genome position (GRCh38, 1-based): chr2:29,226,952, C>T on the plus strand (G>A on the coding strand, the complement: ALK is on the minus strand). VCF-style: chr2-29226952-C-T. GRCh37 (hg19) VCF-style: chr2-29449818-C-T.
Other names: c.3037G>A (NM_004304.4); short protein forms V1013M.
Identifiers: ClinVar variation 4692943 (VCV004692943.2).